The following is an entry in ClinVar:

NM_031407.7(HUWE1):c.10714G>A (p.Val3572Met)

Gene: HUWE1 (HECT, UBA and WWE domain containing E3 ubiquitin protein ligase 1; minus strand). Cytogenetic location: Xp11.22.
Variant type: single nucleotide variant.
Coding change: c.10714G>A on transcript NM_031407.7 (MANE Select); coding-DNA position 10714, G replaced by A.
Protein change: p.Val3572Met; replaces valine 3572 with methionine.
Molecular consequence: missense variant.
Genome position (GRCh38, 1-based): chrX:53,546,748, C>T on the plus strand (G>A on the coding strand, the complement: HUWE1 is on the minus strand). VCF-style: chrX-53546748-C-T. GRCh37 (hg19) VCF-style: chrX-53573709-C-T.
Other names: short protein forms V3572M.
Identifiers: ClinVar variation 3769694 (VCV003769694.1).

ClinVar aggregate classification (germline): Uncertain significance (1 of 4 stars; one submission).

Submission:

GeneDx
Classification: Uncertain significance. Last evaluated: 2024-09-12. Review status: criteria provided, single submitter. Criteria: GeneDx Variant Classification Process June 2021. Collection method: clinical testing. Allele origin: germline. Affected: yes.
Comment: Not observed at significant frequency in large population cohorts (gnomAD); In silico analysis indicates that this missense variant does not alter protein structure/function; Has not been previously published as pathogenic or benign to our knowledge